The following is an entry in ClinVar:

ClinVar aggregate classification (germline): Pathogenic (1 of 4 stars; one submission).

Conditions:
Orofacial cleft 6, susceptibility to (OFC6). Also called: CLEFT LIP WITH OR WITHOUT CLEFT PALATE, NONSYNDROMIC, 6. Identifiers: MedGen C1837213, MONDO:0012141, OMIM 608864.
Autosomal dominant popliteal pterygium syndrome. Also called: Popliteal Pterygium Syndrome (PPS); CLEFT LIP/PALATE, PARAMEDIAN MUCOUS CYSTS OF THE LOWER LIP, POPLITEAL PTERYGIUM, DIGITAL AND GENITAL ANOMALIES; FACIOGENITOPOPLITEAL SYNDROME. Identifiers: Orphanet 1300, MedGen C5848052, MONDO:0007334, OMIM 119500.
Van der Woude syndrome 1. Also called: van der Woude Syndrome (VWS); CLEFT LIP AND/OR PALATE WITH MUCOUS CYSTS OF LOWER LIP. Identifiers: MedGen C4551864, MONDO:0007333, OMIM 119300.

Submission:

Juno Genomics, Hangzhou Juno Genomics, Inc
Classification: Pathogenic for Orofacial cleft 6, susceptibility to; Autosomal dominant popliteal pterygium syndrome; Van der Woude syndrome 1. Review status: criteria provided, single submitter. Criteria: ACMG Guidelines, 2015. Collection method: clinical testing. Allele origin: germline. Affected: yes.
Comment: Absent from controls (or at extremely low frequency if recessive) in Genome Aggregation Database, Exome Sequencing Project, 1000 Genomes Project, or Exome Aggregation Consortium.;Null variant in a gene where loss of function (LOF) is a known mechanism of disease.;Patient's phenotype or family history is highly specific for a disease with a single genetic etiology.

NM_006147.4(IRF6):c.1072del (p.His358fs)

Gene: IRF6 (interferon regulatory factor 6; minus strand). Cytogenetic location: 1q32.2.
Variant type: Deletion.
Coding change: c.1072del on transcript NM_006147.4 (MANE Select); coding-DNA position 1072, one base deleted (C; older notation c.1072delC).
Protein change: p.His358fs; shifts the reading frame from histidine 358.
Molecular consequence: frameshift variant.
Genome position (GRCh38, 1-based): chr1:209,789,774, G deleted on the plus strand (C on the coding strand, the reverse complement: IRF6 is on the minus strand); the first of 3 consecutive G bases (chr1:209,789,774-209,789,776); deleting any one gives the same sequence. VCF-style (leftmost placement, unchanged base first): chr1-209789773-TG-T. GRCh37 (hg19) VCF-style: chr1-209963118-TG-T.
Other names: c.787del, p.His263fs (NM_001206696.2); short protein forms H263fs, H358fs.
Identifiers: ClinVar variation 3382711 (VCV003382711.2).
Genomic context (GRCh38, chr1:209,789,773, plus strand): 5'-TCTTCCCCAAAGCATAAGTAGATCTCAAACGGTGGCTGCTTCTCTATCTGTCCTTTCTGG[TG>T]GGCAATGAGATCTGCAGAAAGTGGAAGAGCAAGTTTGGTATACTGGGTCATTCCACATCC-3'